The following is an entry in ClinVar:

NM_006949.4(STXBP2):c.578+7A>C

Gene: STXBP2 (syntaxin binding protein 2; plus strand). Cytogenetic location: 19p13.2.
Variant type: single nucleotide variant.
Coding change: c.578+7A>C on transcript NM_006949.4 (MANE Select); 7 bases into the intron after coding-DNA position 578, A replaced by C.
Molecular consequence: intron variant.
Genome position (GRCh38, 1-based): chr19:7,641,860, A>C. VCF-style: chr19-7641860-A-C. GRCh37 (hg19) VCF-style: chr19-7706746-A-C.
Other names: c.482+7A>C (NM_001414484.1); c.611+7A>C (NM_001272034.2); c.569+7A>C (NM_001127396.3).
Identifiers: ClinVar variation 3033352 (VCV003033352.2), dbSNP rs2031893871, ClinGen allele CA993164517.
Genomic context (GRCh38, chr19:7,641,860, plus strand): 5'-GATTGCCACGCTGTGCGCCACCCTGCAGGAGTACCCGGCCATCCGCTACCGCAAGTGGGG[A>C]CCCCACCCAGCCCCACCCCGATGCCGACCCCCCCTTAACCGCGTGCAACACCTAACCTTT-3'

ClinVar aggregate classification (germline): Likely benign (0 of 4 stars; one submission).

Conditions:
STXBP2-related disorder. Also called: STXBP2-related condition.

Submission:

PreventionGenetics, part of Exact Sciences
Classification: Likely benign for STXBP2-related condition. Last evaluated: 2019-06-10. Review status: no assertion criteria provided. Collection method: clinical testing. Allele origin: germline.
Comment: This variant is classified as likely benign based on ACMG/AMP sequence variant interpretation guidelines (Richards et al. 2015 PMID: 25741868, with internal and published modifications).